The following is an entry in ClinVar:

ClinVar aggregate classification (germline): Uncertain significance (1 of 4 stars; one submission).

gnomAD v4.1: 3 of 1,554,776 alleles (0.00019%); highest among the groups gnomAD compares: African/African-American, 0.0027%; no homozygotes.

Submission:

GeneDx
Classification: Uncertain significance. Last evaluated: 2023-05-18. Review status: criteria provided, single submitter. Criteria: GeneDx Variant Classification Process June 2021. Collection method: clinical testing. Allele origin: germline. Affected: yes.
Comment: Not observed at significant frequency in large population cohorts (gnomAD); In silico analysis supports that this missense variant does not alter protein structure/function; Has not been previously published as pathogenic or benign to our knowledge

NM_024079.5(ALG8):c.4G>T (p.Ala2Ser)

Gene: ALG8 (ALG8 alpha-1,3-glucosyltransferase; minus strand). Cytogenetic location: 11q14.1.
Variant type: single nucleotide variant.
Coding change: c.4G>T on transcript NM_024079.5 (MANE Select); coding-DNA position 4, G replaced by T.
Protein change: p.Ala2Ser; replaces alanine 2 with serine.
Molecular consequence: missense variant. On other transcripts: 5 prime UTR variant (7), non-coding transcript variant (2).
Genome position (GRCh38, 1-based): chr11:78,139,585, C>A on the plus strand (G>T on the coding strand, the complement: ALG8 is on the minus strand). VCF-style: chr11-78139585-C-A. GRCh37 (hg19) VCF-style: chr11-77850631-C-A.
Other names: c.4G>T, p.Ala2Ser (NM_001007027.3, NM_001425219.1, NM_001425220.1 and 16 more transcripts); c.-71G>T (NM_001425226.1, NM_001425235.1, NM_001425236.1); c.-226G>T (NM_001425234.1); c.-379G>T (NM_001425239.1); c.-509G>T (NM_001425241.1); c.-547G>T (NM_001425242.1); short protein forms A2S.
Identifiers: ClinVar variation 3343547 (VCV003343547.1).
Genomic context (GRCh38, chr11:78,139,585, plus strand): 5'-TCACCCCGAGCGCCAAAGCCGAAAACCAATTGCCAGTACCCGTGGCAATTGTGAGCGCCG[C>A]CATTGCTGCGGCACCGCACGCTTCCCACCAACTTGATCCACATCCGGGATCCCGCGCATG-3'
Protein context (NP_076984.2, residues 1-12): M[Ala2Ser]ALTIATGTGN